The following is an entry in ClinVar:

NM_001365693.1(MGAM):c.5548T>A (p.Trp1850Arg)

Gene: MGAM (maltase-glucoamylase; plus strand). Cytogenetic location: 7q34.
Variant type: single nucleotide variant.
Coding change: c.5548T>A on transcript NM_001365693.1 (MANE Select); coding-DNA position 5548, T replaced by A.
Protein change: p.Trp1850Arg; replaces tryptophan 1850 with arginine.
Molecular consequence: missense variant. On other transcripts: intron variant (1).
Genome position (GRCh38, 1-based): chr7:142,078,372, T>A. VCF-style: chr7-142078372-T-A. GRCh37 (hg19) VCF-style: chr7-141778172-T-A.
Other names: c.4618+12904T>A (NM_004668.3); short protein forms W1850R.
Identifiers: ClinVar variation 4983492 (VCV004983492.1).
Genomic context (GRCh38, chr7:142,078,372, plus strand): 5'-CTACAGGTCGCCATTATCACAGACATCAATCTTTTCCTGGGAGAAGCATACACAGTGGAG[T>A]GGAGCATAAAGATAAGGGATGAAGAAAAAATAGACTGTTACCCTGATGAGAATGGTGATT-3'
Protein context (NP_001352622.1, residues 1840-1860): LFLGEAYTVE[Trp1850Arg]SIKIRDEEKI

ClinVar aggregate classification (germline): Likely benign (1 of 4 stars; one submission).

Conditions:
MGAM-related disorder. Also called: MGAM-related condition.

gnomAD v4.1: 706 of 1,516,902 alleles (0.047%); highest among the groups gnomAD compares: Non-Finnish European, 0.059%; 109 homozygotes.

Submission:

PreventionGenetics, part of Exact Sciences
Classification: Likely benign for MGAM-related condition. Last evaluated: 2025-10-20. Review status: criteria provided, single submitter. Criteria: ACMG Guidelines, 2015. Collection method: clinical testing. Allele origin: germline.
Comment: This variant is classified as likely benign based on ACMG/AMP sequence variant interpretation guidelines (Richards et al. 2015 PMID: 25741868, with internal and published modifications).